The following is an entry in ClinVar:

ClinVar aggregate classification (germline): Conflicting classifications of pathogenicity. Review status: criteria provided, conflicting classifications (1 of 4 stars). 4 submissions from 4 submitters: Pathogenic (1); Likely pathogenic (1); Uncertain significance (1). 1 of the submissions does not count toward it. Last evaluated 2024-05-01.

Conditions:
Ornithine carbamoyltransferase deficiency (OTCD). Also called: ORNITHINE TRANSCARBAMYLASE DEFICIENCY, HYPERAMMONEMIA DUE TO; ORNITHINE TRANSCARBAMYLASE DEFICIENCY; OTC DEFICIENCY; Ornithine Carbamoyltransferase Deficiency Disease. Identifiers: Orphanet 664, MedGen C0268542, MONDO:0010703, OMIM 311250.

Submissions (4):

Natera, Inc.
Classification: Likely pathogenic for Ornithine transcarbamylase deficiency. Last evaluated: 2024-05-01. Review status: criteria provided, single submitter. Criteria: Natera Variant Classification Schema (03/2026). Collection method: clinical testing. Allele origin: germline.
Comment: The c.1033T>C variant in OTC is a missense variant predicted to cause substitution of tyrosine to histidine at amino acid 345. This variant is rare in the general population with a frequency below the threshold expected for the associated phenotype(s). This variant has been observed in affected individual(s) with monoallelic occurrence (heterozygous/hemizygous) (PMID: 16786505, 18662894, 29123827, 38167094). This variant has been observed to segregate in affected family members (PMID: 38167094). Given the available evidence, this variant is classified as Likely Pathogenic.

Revvity Omics, Revvity
Classification: Uncertain significance for Ornithine carbamoyltransferase deficiency. Last evaluated: 2023-02-03. Review status: criteria provided, single submitter. Criteria: ACMG Guidelines, 2015. Collection method: clinical testing. Allele origin: germline.

Labcorp Genetics (formerly Invitae), Labcorp
Classification: Pathogenic for Ornithine carbamoyltransferase deficiency. Last evaluated: 2022-03-15. Review status: criteria provided, single submitter. Criteria: Invitae Variant Classification Sherloc (09022015). Collection method: clinical testing. Allele origin: germline.
Comment: For these reasons, this variant has been classified as Pathogenic. This sequence change replaces tyrosine, which is neutral and polar, with histidine, which is basic and polar, at codon 345 of the OTC protein (p.Tyr345His). This variant is not present in population databases (gnomAD no frequency). This missense change has been observed in individuals with ornithine transcarbamylase deficiency (PMID: 16786505, 18662984, 29123827; Invitae). ClinVar contains an entry for this variant (Variation ID: 97100). Algorithms developed to predict the effect of missense changes on protein structure and function (SIFT, PolyPhen-2, Align-GVGD) all suggest that this variant is likely to be tolerated. This variant disrupts the p.Tyr345 amino acid residue in OTC. Other variant(s) that disrupt this residue have been observed in individuals with OTC-related conditions (PMID: 1480464, 10946359), which suggests that this may be a clinically significant amino acid residue.

GenMed Metabolism Lab
Classification: Pathogenic. Review status: no assertion criteria provided. Collection method: not provided. Allele origin: unknown. Not counted in ClinVar's aggregate classification.
Comment: p.Tyr345His, Late
ClinVar note: Converted during submission from pathogenic to Pathogenic.

Literature cited by the submitters: PubMed 16786505 (cited by Natera, Inc. and Labcorp Genetics (formerly Invitae), Labcorp); PubMed 18662894 (cited by Natera, Inc.); PubMed 29123827 (cited by Natera, Inc. and Labcorp Genetics (formerly Invitae), Labcorp); PubMed 38167094 (cited by Natera, Inc.); PubMed 18662984 (cited by Labcorp Genetics (formerly Invitae), Labcorp); PubMed 1480464 (cited by Labcorp Genetics (formerly Invitae), Labcorp); PubMed 10946359 (cited by Labcorp Genetics (formerly Invitae), Labcorp).

NM_000531.6(OTC):c.1033T>C (p.Tyr345His)

Gene: OTC (ornithine transcarbamylase; plus strand). Cytogenetic location: Xp11.4.
Variant type: single nucleotide variant.
Coding change: c.1033T>C on transcript NM_000531.6 (MANE Select); coding-DNA position 1033, T replaced by C.
Protein change: p.Tyr345His; replaces tyrosine 345 with histidine.
Molecular consequence: missense variant.
Genome position (GRCh38, 1-based): chrX:38,421,050, T>C. VCF-style: chrX-38421050-T-C. GRCh37 (hg19) VCF-style: chrX-38280303-T-C.
Other names: short protein forms Y345H.
Identifiers: ClinVar variation 97100 (VCV000097100.13), dbSNP rs66469337, ClinGen allele CA224442.